The following is an entry in ClinVar:

NM_018076.5(ODAD2):c.251T>A (p.Val84Asp)

Gene: ODAD2 (outer dynein arm docking complex subunit 2; minus strand). Cytogenetic location: 10p12.1.
Variant type: single nucleotide variant.
Coding change: c.251T>A on transcript NM_018076.5 (MANE Select); coding-DNA position 251, T replaced by A.
Protein change: p.Val84Asp; replaces valine 84 with aspartic acid.
Molecular consequence: missense variant.
Genome position (GRCh38, 1-based): chr10:27,987,517, A>T on the plus strand (T>A on the coding strand, the complement: ODAD2 is on the minus strand). VCF-style: chr10-27987517-A-T. GRCh37 (hg19) VCF-style: chr10-28276446-A-T.
Other names: c.251T>A, p.Val84Asp (NM_001290020.2); short protein forms V84D.
Identifiers: ClinVar variation 2194849 (VCV002194849.4), dbSNP rs549455667, ClinGen allele CA376397756.

ClinVar aggregate classification (germline): Uncertain significance (1 of 4 stars; one submission).

Conditions:
Primary ciliary dyskinesia 23 (CILD23). Also called: CILIARY DYSKINESIA, PRIMARY, 23, WITH OR WITHOUT SITUS INVERSUS. Identifiers: Orphanet 244, MedGen C3809548, MONDO:0014193, OMIM 615451.

gnomAD v4.1: 3 of 1,611,874 alleles (0.00019%); highest among the groups gnomAD compares: East Asian, 0.0022%; no homozygotes.

Submission:

Labcorp Genetics (formerly Invitae), Labcorp
Classification: Uncertain significance for Primary ciliary dyskinesia 23. Last evaluated: 2024-02-24. Review status: criteria provided, single submitter. Criteria: Invitae Variant Classification Sherloc (09022015). Collection method: clinical testing. Allele origin: germline.
Comment: This sequence change replaces valine, which is neutral and non-polar, with aspartic acid, which is acidic and polar, at codon 84 of the ARMC4 protein (p.Val84Asp). This variant is present in population databases (no rsID available, gnomAD 0.01%). This variant has not been reported in the literature in individuals affected with ARMC4-related conditions. ClinVar contains an entry for this variant (Variation ID: 2194849). An algorithm developed to predict the effect of missense changes on protein structure and function (PolyPhen-2) suggests that this variant is likely to be tolerated. In summary, the available evidence is currently insufficient to determine the role of this variant in disease. Therefore, it has been classified as a Variant of Uncertain Significance.